The following is an entry in ClinVar:

NM_001164665.2(KIAA1549):c.4158G>A (p.Thr1386=)

Gene: KIAA1549 (KIAA1549; minus strand). Cytogenetic location: 7q34.
Variant type: single nucleotide variant.
Coding change: c.4158G>A on transcript NM_001164665.2 (MANE Select); coding-DNA position 4158, G replaced by A.
Protein change: p.Thr1386=; no amino-acid change (threonine 1386 retained).
Molecular consequence: synonymous variant.
Genome position (GRCh38, 1-based): chr7:138,881,459, C>T on the plus strand (G>A on the coding strand, the complement: KIAA1549 is on the minus strand). VCF-style: chr7-138881459-C-T. GRCh37 (hg19) VCF-style: chr7-138566205-C-T.
Other names: c.4158G>A, p.Thr1386= (NM_020910.3).
Identifiers: ClinVar variation 737106 (VCV000737106.14), dbSNP rs142709120, ClinGen allele CA4505990.

ClinVar aggregate classification (germline): Benign/Likely benign. Review status: criteria provided, multiple submitters, no conflicts (2 of 4 stars). 3 submissions from 3 submitters: Benign (1); Likely benign (1). 1 of the submissions does not count toward it. Last evaluated 2026-01-26.

Conditions:
KIAA1549-related disorder. Also called: KIAA1549-related condition.

Allele frequency attached by ClinVar (database versions not stated): gnomAD exomes 0.00036 and 0.00093; ExAC 0.00113; gnomAD 0.00320 and 0.00351; TOPMed 0.00382; 1000 Genomes Project 0.00399; ESP Exome Variant Server 0.00432; 1000 Genomes Project 30x 0.00453.
gnomAD v4.1: 1,018 of 1,614,018 alleles (0.063%); highest among the groups gnomAD compares: African/African-American, 1.2%; 3 homozygotes.

Submissions (3):

Labcorp Genetics (formerly Invitae), Labcorp
Classification: Benign. Last evaluated: 2026-01-26. Review status: criteria provided, single submitter. Criteria: Invitae Variant Classification Sherloc (09022015). Collection method: clinical testing. Allele origin: germline.

Blueprint Genetics
Classification: Likely benign. Last evaluated: 2024-09-18. Review status: criteria provided, single submitter. Criteria: ACMG Guidelines, 2015. Collection method: clinical testing. Allele origin: germline.

PreventionGenetics, part of Exact Sciences
Classification: Benign for KIAA1549-related condition. Last evaluated: 2019-10-30. Review status: no assertion criteria provided. Collection method: clinical testing. Allele origin: germline. Not counted in ClinVar's aggregate classification.
Comment: This variant is classified as benign based on ACMG/AMP sequence variant interpretation guidelines (Richards et al. 2015 PMID: 25741868, with internal and published modifications).